The following is an entry in ClinVar:

ClinVar aggregate classification (germline): Benign/Likely benign. Review status: criteria provided, multiple submitters, no conflicts (2 of 4 stars). 4 submissions from 4 submitters: Benign (2); Likely benign (1). 1 of the submissions does not count toward it. Last evaluated 2024-09-16.

Conditions:
DNHD1-related disorder. Also called: DNHD1-related condition.

Allele frequency attached by ClinVar (database versions not stated): gnomAD 0.00022 and 0.00035; gnomAD exomes 0.00028 and 0.00065; TOPMed 0.00058; ExAC 0.00071; 1000 Genomes Project 30x 0.00187; 1000 Genomes Project 0.00240.
gnomAD v4.1: 463 of 1,613,538 alleles (0.029%); highest among the groups gnomAD compares: East Asian, 0.67%; 3 homozygotes.

Submissions (4):

Blueprint Genetics
Classification: Likely benign. Last evaluated: 2024-09-16. Review status: criteria provided, single submitter. Criteria: ACMG Guidelines, 2015. Collection method: clinical testing. Allele origin: germline.

Labcorp Genetics (formerly Invitae), Labcorp
Classification: Benign. Last evaluated: 2018-12-14. Review status: criteria provided, single submitter. Criteria: Invitae Variant Classification Sherloc (09022015). Collection method: clinical testing. Allele origin: germline.

Breakthrough Genomics
Classification: Benign. Review status: criteria provided, single submitter. Criteria: ACMG Guidelines, 2015. Collection method: not provided. Allele origin: germline. Inheritance: Autosomal recessive inheritance. Affected: yes.

PreventionGenetics, part of Exact Sciences
Classification: Likely benign for DNHD1-related condition. Last evaluated: 2019-12-23. Review status: no assertion criteria provided. Collection method: clinical testing. Allele origin: germline. Not counted in ClinVar's aggregate classification.
Comment: This variant is classified as likely benign based on ACMG/AMP sequence variant interpretation guidelines (Richards et al. 2015 PMID: 25741868, with internal and published modifications).

NM_144666.3(DNHD1):c.11979A>G (p.Leu3993=)

Gene: DNHD1 (dynein heavy chain domain 1; plus strand). Cytogenetic location: 11p15.4.
Variant type: single nucleotide variant.
Coding change: c.11979A>G on transcript NM_144666.3 (MANE Select); coding-DNA position 11979, A replaced by G.
Protein change: p.Leu3993=; no amino-acid change (leucine 3993 retained).
Molecular consequence: synonymous variant.
Genome position (GRCh38, 1-based): chr11:6,567,488, A>G. VCF-style: chr11-6567488-A-G. GRCh37 (hg19) VCF-style: chr11-6588718-A-G.
Identifiers: ClinVar variation 722070 (VCV000722070.7), dbSNP rs143341167, ClinGen allele CA5856762.